The following is an entry in ClinVar:

ClinVar aggregate classification (germline): Likely benign (0 of 4 stars; one submission).

Conditions:
CLPTM1L-related disorder. Also called: CLPTM1L-related condition.

Allele frequency attached by ClinVar (database versions not stated): gnomAD exomes below 0.00001.
gnomAD v4.1: 5 of 1,612,842 alleles (0.00031%); highest among the groups gnomAD compares: East Asian, 0.0067%; no homozygotes.

Submission:

PreventionGenetics, part of Exact Sciences
Classification: Likely benign for CLPTM1L-related condition. Last evaluated: 2020-10-15. Review status: no assertion criteria provided. Collection method: clinical testing. Allele origin: germline.
Comment: This variant is classified as likely benign based on ACMG/AMP sequence variant interpretation guidelines (Richards et al. 2015 PMID: 25741868, with internal and published modifications).

NM_030782.5(CLPTM1L):c.993C>T (p.Phe331=)

Gene: CLPTM1L (CLPTM1 like). Cytogenetic location: 5p15.33.
Variant type: single nucleotide variant.
Coding change: c.993C>T on transcript NM_030782.5 (MANE Select); coding-DNA position 993, C replaced by T.
Protein change: p.Phe331=; no amino-acid change (phenylalanine 331 retained).
Molecular consequence: synonymous variant.
Genome position (GRCh38, 1-based): chr5:1,330,367, G>A on the plus strand (C>T on the coding strand, the complement: CLPTM1L is on the minus strand). VCF-style: chr5-1330367-G-A. GRCh37 (hg19) VCF-style: chr5-1330482-G-A.
Identifiers: ClinVar variation 3031679 (VCV003031679.2), dbSNP rs1452932685, ClinGen allele CA443015661.
Genomic context (GRCh38, chr5:1,330,367, plus strand): 5'-GACCAGCACCAGCAGGCTCGTCTGCTCGTCCAGCAGGAACAGAAAGATGACCACGGTGCT[G>A]AAGCAGCGCCAGAGCACTGGGGACAGGATGGTCGGGCTGGGAGGGGGTGCAGGGCAGACC-3'
Protein context (NP_110409.2, residues 321-341): MSTKAVLWRC[Phe331=]STVVIFLFLL